The following is an entry in ClinVar:

ClinVar aggregate classification (germline): Likely pathogenic (1 of 4 stars; one submission).

Submission:

CeGaT Center for Human Genetics Tuebingen
Classification: Likely pathogenic. Last evaluated: 2025-02-01. Review status: criteria provided, single submitter. Criteria: CeGaT Center For Human Genetics Tuebingen Variant Classification Criteria Version 2. Collection method: clinical testing. Allele origin: germline. Affected: yes. Observed: 1 variant allele.
Comment: ZNF148: PVS1:Strong, PM2

NM_021964.3(ZNF148):c.1663_1664del (p.Gln555fs)

Genes: ZNF148 (zinc finger protein 148; minus strand), LOC126806798 (P300/CBP strongly-dependent group 1 enhancer GRCh37_chr3:124950809-124952008; plus strand). Cytogenetic location: 3q21.2.
Variant type: Deletion.
Coding change: c.1663_1664del on transcript NM_021964.3 (MANE Select); coding-DNA positions 1663 to 1664, 2 bases deleted (CA; older notation c.1663_1664delCA).
Protein change: p.Gln555fs; shifts the reading frame from glutamine 555.
Molecular consequence: frameshift variant.
Genome position (GRCh38, 1-based): chr3:125,233,062-125,233,063, TG deleted on the plus strand (CA on the coding strand, the reverse complement: ZNF148 is on the minus strand); deleting any 2 consecutive bases within chr3:125,233,062-125,233,064 gives the same sequence; the c. name uses the placement nearest the transcript's 3' end. VCF-style (leftmost placement, unchanged base first): chr3-125233061-CTG-C. GRCh37 (hg19) VCF-style: chr3-124951905-CTG-C.
Other names: c.1663_1664del, p.Gln555fs (NM_001348424.1, NM_001348425.2, NM_001348426.2 and 7 more transcripts); c.1537_1538del, p.Gln513fs (NM_001348434.2); short protein forms Q513fs, Q555fs.
Identifiers: ClinVar variation 3771976 (VCV003771976.13).